The following is an entry in ClinVar:

ClinVar aggregate classification (germline): Conflicting classifications of pathogenicity. Review status: criteria provided, conflicting classifications (1 of 4 stars). 4 submissions from 4 submitters: Uncertain significance (2); Likely benign (1). 1 of the submissions does not count toward it. Last evaluated 2025-09-14.

Conditions:
Hereditary cancer-predisposing syndrome. Also called: Hereditary Cancer Syndrome; Neoplastic Syndromes, Hereditary; Tumor predisposition; Hereditary neoplastic syndrome. Identifiers: Orphanet 140162, MedGen C0027672, MeSH D009386, MONDO:0015356.
Hereditary breast ovarian cancer syndrome. Also called: Hereditary breast and ovarian cancer syndrome; Hereditary breast and ovarian cancer; Hereditary breast and ovarian cancer syndrome (HBOC); Breast and ovarian cancer; Hereditary breast and/or ovarian cancer syndrome; BRCA1- and BRCA2-Associated Hereditary Breast and Ovarian Cancer. Identifiers: Orphanet 145, MedGen C0677776, MeSH D061325, MONDO:0003582. Disease mechanism: loss of function.
Malignant tumor of breast. Also called: Malignant breast neoplasm; Cancer breast. Identifiers: MedGen C0006142, MONDO:0007254. Disease mechanism: loss of function.

Allele frequency attached by ClinVar (database versions not stated): gnomAD exomes below 0.00001.
gnomAD v4.1: 6 of 1,614,150 alleles (0.00037%); highest among the groups gnomAD compares: East Asian, 0.0045%; no homozygotes.

Submissions (4):

Labcorp Genetics (formerly Invitae), Labcorp
Classification: Uncertain significance for Hereditary breast ovarian cancer syndrome. Last evaluated: 2025-09-14. Review status: criteria provided, single submitter. Criteria: Invitae Variant Classification Sherloc (09022015). Collection method: clinical testing. Allele origin: germline.
Comment: This sequence change replaces methionine, which is neutral and non-polar, with leucine, which is neutral and non-polar, at codon 2493 of the BRCA2 protein (p.Met2493Leu). This variant is not present in population databases (gnomAD no frequency). This missense change has been observed in individual(s) with hereditary breast and ovarian cancer (PMID: 30287823, 32885271). ClinVar contains an entry for this variant (Variation ID: 481042). Invitae Evidence Modeling of protein sequence and biophysical properties (such as structural, functional, and spatial information, amino acid conservation, physicochemical variation, residue mobility, and thermodynamic stability) indicates that this missense variant is not expected to disrupt BRCA2 protein function with a negative predictive value of 95%. Experimental studies have shown that this missense change does not substantially affect BRCA2 function (PMID: 37731132). In summary, the available evidence is currently insufficient to determine the role of this variant in disease. Therefore, it has been classified as a Variant of Uncertain Significance.

Ambry Genetics
Classification: Likely benign for Hereditary cancer-predisposing syndrome. Last evaluated: 2025-04-18. Review status: criteria provided, single submitter. Criteria: Ambry Variant Classification Scheme 2023. Collection method: clinical testing. Allele origin: germline.

Color Diagnostics, LLC DBA Color Health
Classification: Uncertain significance for Hereditary cancer-predisposing syndrome. Last evaluated: 2023-12-15. Review status: criteria provided, single submitter. Criteria: ACMG Guidelines, 2015. Collection method: clinical testing. Allele origin: germline.
Comment: This missense variant replaces methionine with leucine at codon 2493 of the BRCA2 protein. Computational prediction suggests that this variant may not impact protein structure and function. This variant has been reported in an individual affected with breast cancer (PMID: 32885271) and in a breast and a pancreatic cancer case-control study, in which the variant was detected in 1/7051 female breast cancer cases and 1/11241 unaffected individuals (PMID: 30287823) and absent in 1005 pancreatic cancer cases and found in 1/23705 unaffected individuals (PMID: 32980694). This variant has not been identified in the general population by the Genome Aggregation Database (gnomAD). The available evidence is insufficient to determine the role of this variant in disease conclusively. Therefore, this variant is classified as a Variant of Uncertain Significance.

Department of Pathology and Laboratory Medicine, Sinai Health System
Classification: Uncertain significance for Malignant tumor of breast. Review status: no assertion criteria provided. Collection method: clinical testing. Allele origin: unknown. Affected: yes. Observed: 2 variant alleles. Study: The Canadian Open Genetics Repository (COGR). Not counted in ClinVar's aggregate classification.
Comment: The BRCA2 p.Met2493Leu variant was not identified in the literature nor was it identified in the dbSNP, COGR, COSMIC, MutDB, LOVD 3.0, UMD-LSDB, BIC Database, ARUP Laboratories, or Zhejiang University databases. The variant was identified in the ClinVar and Clinvitae databases (2x classified as uncertain significance by Ambry Genetics and Color Genomics). The variant was not identified in the following control databases: the 1000 Genomes Project, the NHLBI GO Exome Sequencing Project, the Exome Aggregation Consortium (August 8th 2016), or the Genome Aggregation Database (Feb 27, 2017). The p.Met2493 residue is not conserved in mammals and computational analyses (PolyPhen-2, SIFT, AlignGVGD, BLOSUM, MutationTaster) provide inconsistent predictions regarding the impact to the protein; this information is not very predictive of pathogenicity. The variant occurs outside of the splicing consensus sequence and in silico or computational prediction software programs (SpliceSiteFinder, MaxEntScan, NNSPLICE, GeneSplicer, HumanSpliceFinder) do not predict a difference in splicing. In summary, based on the above information the clinical significance of this variant cannot be determined with certainty at this time. This variant is classified as a variant of uncertain significance.

Literature cited by the submitters: PubMed 30287823 (cited by 3 submitters); PubMed 32885271 (cited by 3 submitters); PubMed 37731132 (cited by Labcorp Genetics (formerly Invitae), Labcorp and Ambry Genetics); PubMed 32980694 (cited by Color Diagnostics, LLC DBA Color Health).

NM_000059.4(BRCA2):c.7477A>T (p.Met2493Leu)

Gene: BRCA2 (BRCA2 DNA repair associated; plus strand). Cytogenetic location: 13q13.1.
Variant type: single nucleotide variant.
Coding change: c.7477A>T on transcript NM_000059.4 (MANE Select); coding-DNA position 7477, A replaced by T.
Protein change: p.Met2493Leu; replaces methionine 2493 with leucine.
Molecular consequence: missense variant.
Genome position (GRCh38, 1-based): chr13:32,356,469, A>T. VCF-style: chr13-32356469-A-T. GRCh37 (hg19) VCF-style: chr13-32930606-A-T.
Other names: short protein forms M2493L.
Identifiers: ClinVar variation 481042 (VCV000481042.17), dbSNP rs1064793329, ClinGen allele CA387743260.